The following is an entry in ClinVar:

ClinVar aggregate classification (germline): Benign (1 of 4 stars; one submission).

Allele frequency attached by ClinVar (database versions not stated): 1000 Genomes Project 0.02097; 1000 Genomes Project 30x 0.02155; gnomAD 0.02318 and 0.02506; TOPMed 0.02697.
gnomAD v4.1: 3,488 of 152,188 alleles (2.3%); highest among the groups gnomAD compares: African/African-American, 8%; 136 homozygotes.

Submission:

GeneDx
Classification: Benign. Last evaluated: 2018-06-14. Review status: criteria provided, single submitter. Criteria: GeneDx Variant Classification (06012015). Collection method: clinical testing. Allele origin: germline. Affected: yes.
Comment: This variant is considered likely benign or benign based on one or more of the following criteria: it is a conservative change, it occurs at a poorly conserved position in the protein, it is predicted to be benign by multiple in silico algorithms, and/or has population frequency not consistent with disease.

NM_001130438.3(SPTAN1):c.3579+225C>T

Gene: SPTAN1 (spectrin alpha, non-erythrocytic 1; plus strand). Cytogenetic location: 9q34.11.
Variant type: single nucleotide variant.
Coding change: c.3579+225C>T on transcript NM_001130438.3 (MANE Select); 225 bases into the intron after coding-DNA position 3579, C replaced by T.
Molecular consequence: intron variant.
Genome position (GRCh38, 1-based): chr9:128,600,340, C>T. VCF-style: chr9-128600340-C-T. GRCh37 (hg19) VCF-style: chr9-131362619-C-T.
Other names: c.3579+225C>T (NM_001363759.2, NM_003127.4); c.3519+225C>T (NM_001363765.2, NM_001195532.2).
Identifiers: ClinVar variation 677472 (VCV000677472.1), dbSNP rs79268762, ClinGen allele CA200393019.